The following is an entry in ClinVar:

NM_000388.4(CASR):c.2039G>A (p.Arg680His)

Gene: CASR (calcium sensing receptor; plus strand). Cytogenetic location: 3q21.1.
Variant type: single nucleotide variant.
Coding change: c.2039G>A on transcript NM_000388.4 (MANE Select); coding-DNA position 2039, G replaced by A.
Protein change: p.Arg680His; replaces arginine 680 with histidine.
Molecular consequence: missense variant.
Genome position (GRCh38, 1-based): chr3:122,283,993, G>A. VCF-style: chr3-122283993-G-A. GRCh37 (hg19) VCF-style: chr3-122002840-G-A.
Other names: p.Arg680His; c.2069G>A, p.Arg690His (NM_001178065.2); c.2069G>A (NM_001178065.1); short protein forms R680H, R690H.
Identifiers: ClinVar variation 237763 (VCV000237763.16), dbSNP rs773146939, ClinGen allele CA2569773.

ClinVar aggregate classification (germline): Pathogenic/Likely pathogenic. Review status: criteria provided, multiple submitters, no conflicts (2 of 4 stars). 8 submissions from 8 submitters: Pathogenic (6); Likely pathogenic (2). Last evaluated 2026-09-25.

Conditions:
CASR-related disorder. Also called: CASR-related condition.
Autosomal dominant hypocalcemia 1 (HYPOC1). Also called: HYPOCALCEMIA, FAMILIAL. Identifiers: MedGen C3715128, MONDO:0011013, OMIM 601198.
Familial hypocalciuric hypercalcemia (FHH). Also called: Familial benign hypercalcemia. Identifiers: Orphanet 405, MedGen C1809471, MONDO:0018458.
Epilepsy, idiopathic generalized, susceptibility to, 8. Identifiers: MedGen C2752062, MONDO:0013032, OMIM 612899.
Neonatal severe primary hyperparathyroidism. Identifiers: Orphanet 417, MedGen C1832615, MONDO:0009397, OMIM 239200.
Familial hypocalciuric hypercalcemia 1. Also called: Hypercalcemia, familial benign type 1. Identifiers: Orphanet 405, Orphanet 93372, MedGen C0342637, MONDO:0007791, OMIM 145980.

Allele frequency attached by ClinVar (database versions not stated): gnomAD exomes below 0.00001 and 0.00001; ExAC 0.00002.
gnomAD v4.1: 4 of 1,613,664 alleles (0.00025%); highest among the groups gnomAD compares: East Asian, 0.0022%; no homozygotes.

Submissions (8):

PreventionGenetics, part of Exact Sciences
Classification: Pathogenic for CASR-related condition. Last evaluated: 2026-09-25. Review status: criteria provided, single submitter. Criteria: ACMG Guidelines, 2015. Collection method: clinical testing. Allele origin: germline.
Comment: The CASR c.2069G>A variant is predicted to result in the amino acid substitution p.Arg690His. This variant has been reported to be pathogenic for both autosomal dominant familial hypocalciuric hypercalcemia (FHH) and autosomal recessive neonatal severe hyperparathyroidism (NSHPT, Hendy et al. 2000. PubMed ID: 11013439; Cole et al. 2009. PubMed ID: 19179454; Glaudo et al. 2016. PubMed ID: 27666534; Mayr et al. 2015. PubMed ID: 26646938; Table S4, Vargas-Poussou et al. 2016. PubMed ID: 26963950). This variant is reported in 0.011% of alleles in individuals of East Asian descent in gnomAD. Functional studies indicate this variant results in low surface expression and impaired calcium signaling (Glaudo et al. 2016. PubMed ID: 27666534; Leach et al. 2013. PubMed ID: 23372019; Leach et al. 2012. PubMed ID: 22798347). An alternate missense change at this amino acid (p.Arg680Cys), has been reported to be pathogenic (Pearce. 1995. PubMed ID: 8675635). The p.Arg680His variant is interpreted as pathogenic.

Greenwood Genetic Center Diagnostic Laboratories, Greenwood Genetic Center
Classification: Pathogenic for CASR-related disorder. Last evaluated: 2025-10-16. Review status: criteria provided, single submitter. Criteria: ACMG Guidelines, 2015. Collection method: clinical testing. Allele origin: germline. Affected: yes.
Comment: PS3, PM1, PM5, PP2, PP3

Labcorp Genetics (formerly Invitae), Labcorp
Classification: Pathogenic for Familial hypocalciuric hypercalcemia; Autosomal dominant hypocalcemia 1. Last evaluated: 2025-07-23. Review status: criteria provided, single submitter. Criteria: Invitae Variant Classification Sherloc (09022015). Collection method: clinical testing. Allele origin: germline.
Comment: This sequence change replaces arginine, which is basic and polar, with histidine, which is basic and polar, at codon 680 of the CASR protein (p.Arg680His). This variant is present in population databases (rs773146939, gnomAD 0.006%). This missense change has been observed in individuals with clinical features of hypocalciuric hypercalcemia, hyperparathyroidism and/or neonatal severe hyperparathyroidism (PMID: 19179454, 26646938, 26963950, 27666534, 32347971; internal data). Invitae Evidence Modeling of clinical and family history, age, sex, and reported ancestry of multiple individuals with this CASR variant has been performed. This variant is expected to be pathogenic with a positive predictive value of at least 99%. This is a validated machine learning model that incorporates the clinical features of 646,172 individuals referred to our laboratory for CASR testing. ClinVar contains an entry for this variant (Variation ID: 237763). An algorithm developed to predict the effect of missense changes on protein structure and function (PolyPhen-2) suggests that this variant is likely to be disruptive. Experimental studies have shown that this missense change affects CASR function (PMID: 22798347, 23372019). For these reasons, this variant has been classified as Pathogenic.

Women's Health and Genetics/Laboratory Corporation of America, LabCorp
Classification: Pathogenic for Familial hypocalciuric hypercalcemia. Last evaluated: 2023-05-12. Review status: criteria provided, single submitter. Criteria: LabCorp Variant Classification Summary - May 2015. Collection method: clinical testing. Allele origin: germline.
Comment: Variant summary: CASR c.2039G>A (p.Arg680His) results in a non-conservative amino acid change located in the GPCR family 3, C-terminal domain (IPR017978) of the encoded protein sequence. Five of five in-silico tools predict a damaging effect of the variant on protein function. The variant allele was found at a frequency of 8e-06 in 251122 control chromosomes. c.2039G>A has been reported in the literature in individuals affected with Familial Hypocalciuric Hypercalcemia (FHH) and in the homozygous state in one individual with Neonatal Severe Hyperparathyroidism whose parents were both FHH-affected (e.g. Cole_2009, Vargas-Poussou_2016, Mouly_2020, Kurian_2021). These data indicate that the variant is likely to be associated with disease. Experimental evidence has shown that although the variant does not significantly alter the EC50 and results in only a mild reduction in the maximal Ca2+ response when studied in vitro, it results in a reduction in cell surface expression to 7% of normal, suggesting the variant has a damaging effect (e.g. Glaudo_2016, Leach_2012). Additionally, a variant affecting the same amino acid, c.2038C>T (p.Arg680Cys), has been classified as pathogenic, suggesting the Arg680 residue is important for protein function. The following publications have been ascertained in the context of this evaluation (PMID: 19179454, 11013439, 34993031, 22798347, 32347971, 26963950, 27666534). Three clinical diagnostic laboratories have submitted clinical-significance assessments for this variant to ClinVar after 2014 and all classified the variant as pathogenic (n=1)/likely pathogenic (n=2). Based on the evidence outlined above, the variant was classified as pathogenic.

Mayo Clinic Laboratories, Mayo Clinic
Classification: Pathogenic. Last evaluated: 2023-02-09. Review status: criteria provided, single submitter. Criteria: ACMG Guidelines, 2015. Collection method: clinical testing. Allele origin: germline. Observed: 1 variant allele.
Comment: PP2, PP3, PM1, PM5, PS3

Fulgent Genetics
Classification: Pathogenic for Familial hypocalciuric hypercalcemia 1; Neonatal severe primary hyperparathyroidism; Autosomal dominant hypocalcemia 1; Epilepsy, idiopathic generalized, susceptibility to, 8. Last evaluated: 2022-03-30. Review status: criteria provided, single submitter. Criteria: ACMG Guidelines, 2015. Collection method: clinical testing. Allele origin: unknown.

Athena Diagnostics
Classification: Likely pathogenic. Last evaluated: 2019-04-11. Review status: criteria provided, single submitter. Criteria: Athena Diagnostics Criteria. Collection method: clinical testing. Allele origin: germline.
Comment: The best available variant frequency is uninformative because it is below the disease allele frequency. Found in at least one symptomatic patient. Predicted to have a damaging effect on the protein. One other pathogenic or likely pathogenic variant affects the same amino acid. Damaging to protein function(s) relevant to disease mechanism.

Juno Genomics, Hangzhou Juno Genomics, Inc
Classification: Likely pathogenic for Epilepsy, idiopathic generalized, susceptibility to, 8; Neonatal severe primary hyperparathyroidism; Autosomal dominant hypocalcemia 1; Familial hypocalciuric hypercalcemia 1. Review status: criteria provided, single submitter. Criteria: ACMG Guidelines, 2015. Collection method: clinical testing. Allele origin: germline.
Comment: Absent from controls (or at extremely low frequency if recessive) in Genome Aggregation Database.;Missense variant in a gene that has a low rate of benign missense variation.;Well-established in vitro or in vivo functional studies supportive of a damaging effect on the gene or gene product.;For recessive disorders, detected in trans with a pathogenic variant.;Patient's phenotype or family history is highly specific for a disease with a single genetic etiology.;The prevalence of the variant in affected individuals is significantly increased compared to the prevalence in controls.

Literature cited by the submitters: PubMed 19179454 (cited by 3 submitters); PubMed 26646938 (cited by Labcorp Genetics (formerly Invitae), Labcorp and Mayo Clinic Laboratories, Mayo Clinic); PubMed 26963950 (cited by Labcorp Genetics (formerly Invitae), Labcorp and Women's Health and Genetics/Laboratory Corporation of America, LabCorp); PubMed 27666534 (cited by 4 submitters); PubMed 32347971 (cited by 3 submitters); PubMed 22798347 (cited by 4 submitters); PubMed 23372019 (cited by 3 submitters); PubMed 11013439 (cited by Women's Health and Genetics/Laboratory Corporation of America, LabCorp and Mayo Clinic Laboratories, Mayo Clinic); PubMed 34993031 (cited by Women's Health and Genetics/Laboratory Corporation of America, LabCorp); PubMed 35318962 (cited by Mayo Clinic Laboratories, Mayo Clinic); PubMed 8132750 (cited by Athena Diagnostics).